The following is an entry in ClinVar:

ClinVar aggregate classification (germline): Uncertain significance (1 of 4 stars; one submission).

Conditions:
Hyperaldosteronism, familial, type IV (HALD4). Also called: FH IV; ALDOSTERONISM, PRIMARY, AND HYPERTENSION. Identifiers: Orphanet 642671, MedGen C4310756, MONDO:0014875, OMIM 617027.
Idiopathic generalized epilepsy. Also called: Generalised epilepsy; EIG. Identifiers: MedGen C0270850, MONDO:0005579, OMIM 600669.

gnomAD v4.1: 1 of 1,379,076 alleles (0.000073%); highest among the groups gnomAD compares: Non-Finnish European, 0.000099%; no homozygotes.

Submission:

Labcorp Genetics (formerly Invitae), Labcorp
Classification: Uncertain significance for Idiopathic generalized epilepsy; Hyperaldosteronism, familial, type IV. Last evaluated: 2022-09-26. Review status: criteria provided, single submitter. Criteria: Invitae Variant Classification Sherloc (09022015). Collection method: clinical testing. Allele origin: germline.
Comment: In summary, the available evidence is currently insufficient to determine the role of this variant in disease. Therefore, it has been classified as a Variant of Uncertain Significance. Advanced modeling of protein sequence and biophysical properties (such as structural, functional, and spatial information, amino acid conservation, physicochemical variation, residue mobility, and thermodynamic stability) performed at Invitae indicates that this missense variant is not expected to disrupt CACNA1H protein function. ClinVar contains an entry for this variant (Variation ID: 1508032). This variant has not been reported in the literature in individuals affected with CACNA1H-related conditions. This variant is not present in population databases (gnomAD no frequency). This sequence change replaces serine, which is neutral and polar, with phenylalanine, which is neutral and non-polar, at codon 1286 of the CACNA1H protein (p.Ser1286Phe).

NM_021098.3(CACNA1H):c.3857C>T (p.Ser1286Phe)

Gene: CACNA1H (calcium voltage-gated channel subunit alpha1 H; plus strand). Cytogenetic location: 16p13.3.
Variant type: single nucleotide variant.
Coding change: c.3857C>T on transcript NM_021098.3 (MANE Select); coding-DNA position 3857, C replaced by T.
Protein change: p.Ser1286Phe; replaces serine 1286 with phenylalanine.
Molecular consequence: missense variant.
Genome position (GRCh38, 1-based): chr16:1,210,381, C>T. VCF-style: chr16-1210381-C-T. GRCh37 (hg19) VCF-style: chr16-1260381-C-T.
Other names: c.3857C>T, p.Ser1286Phe (NM_001005407.2); short protein forms S1286F.
Identifiers: ClinVar variation 1508032 (VCV001508032.8), dbSNP rs776740325, ClinGen allele CA394176203.
Genomic context (GRCh38, chr16:1,210,381, plus strand): 5'-GCCATCCACGCCGCCCCGCCCCACCTCTCACCCGCCCCCGCCCACCCAGGTTCCGCGTCT[C>T]CTGCCAGAAGGTCATCACACACAAGATGTTTGATCACGTGGTCCTCGTCTTCATCTTCCT-3'
Protein context (NP_066921.2, residues 1276-1296): LFSPQNRFRV[Ser1286Phe]CQKVITHKMF